The following is an entry in ClinVar:

NM_017636.4(TRPM4):c.2274_2275delinsGG (p.Cys758_Cys759delinsTrpGly)

Gene: TRPM4 (transient receptor potential cation channel subfamily M member 4; plus strand). Cytogenetic location: 19q13.33.
Variant type: Indel.
Coding change: c.2274_2275delinsGG on transcript NM_017636.4 (MANE Select); coding-DNA positions 2274 to 2275, CT replaced by GG.
Protein change: p.Cys758_Cys759delinsTrpGly.
Molecular consequence: missense variant. On other transcripts: intron variant (1).
Genome position (GRCh38, 1-based): chr19:49,196,503-49,196,504, CT replaced by GG. VCF-style: chr19-49196503-CT-GG. GRCh37 (hg19) VCF-style: chr19-49699760-CT-GG.
Other names: c.1929_1930delinsGG, p.Cys643_Cys644delinsTrpGly (NM_001321281.2); c.666_667delinsGG, p.Cys222_Cys223delinsTrpGly (NM_001321282.2); c.1752_1753delinsGG, p.Cys584_Cys585delinsTrpGly (NM_001321283.2); c.1212_1213delinsGG, p.Cys404_Cys405delinsTrpGly (NM_001321285.2); c.2211-3797_2211-3796delinsGG (NM_001195227.2).
Identifiers: ClinVar variation 4713776 (VCV004713776.1).

ClinVar aggregate classification (germline): Uncertain significance (1 of 4 stars; one submission).

Conditions:
Progressive familial heart block type IB (PFHB1B). Identifiers: Orphanet 871, MedGen C1970298, MONDO:0011474, OMIM 604559.

Submission:

Labcorp Genetics (formerly Invitae), Labcorp
Classification: Uncertain significance for Progressive familial heart block type IB. Last evaluated: 2025-02-06. Review status: criteria provided, single submitter. Criteria: Invitae Variant Classification Sherloc (09022015). Collection method: clinical testing. Allele origin: germline.
Comment: This variant, c.2274_2275delinsGG, is a complex sequence change that results in the deletion and insertion of 2 amino acid(s) in the TRPM4 protein (p.Cys758_Cys759delinsTrpGly). Information on the frequency of this variant in the gnomAD database is not available, as this variant may be reported differently in the database. This variant has not been reported in the literature in individuals affected with TRPM4-related conditions. Experimental studies and prediction algorithms are not available or were not evaluated, and the functional significance of this variant is currently unknown. In summary, the available evidence is currently insufficient to determine the role of this variant in disease. Therefore, it has been classified as a Variant of Uncertain Significance.